The following is an entry in ClinVar:

ClinVar aggregate classification (germline): Uncertain significance (1 of 4 stars; one submission).

Submission:

GeneDx
Classification: Uncertain significance. Last evaluated: 2024-05-28. Review status: criteria provided, single submitter. Criteria: GeneDx Variant Classification Process June 2021. Collection method: clinical testing. Allele origin: germline. Affected: yes.
Comment: Not observed at significant frequency in large population cohorts (gnomAD); In silico analysis supports that this missense variant has a deleterious effect on protein structure/function; Has not been previously published as pathogenic or benign to our knowledge

NM_003922.4(HERC1):c.13760G>A (p.Gly4587Glu)

Gene: HERC1 (HECT and RLD domain containing E3 ubiquitin protein ligase family member 1; minus strand). Cytogenetic location: 15q22.31.
Variant type: single nucleotide variant.
Coding change: c.13760G>A on transcript NM_003922.4 (MANE Select); coding-DNA position 13760, G replaced by A.
Protein change: p.Gly4587Glu; replaces glycine 4587 with glutamic acid.
Molecular consequence: missense variant.
Genome position (GRCh38, 1-based): chr15:63,616,611, C>T on the plus strand (G>A on the coding strand, the complement: HERC1 is on the minus strand). VCF-style: chr15-63616611-C-T. GRCh37 (hg19) VCF-style: chr15-63908810-C-T.
Other names: short protein forms G4587E.
Identifiers: ClinVar variation 3383571 (VCV003383571.1).